The following is an entry in ClinVar:

NM_207361.6(FREM2):c.176G>A (p.Gly59Asp)

Gene: FREM2 (FRAS1 related extracellular matrix 2; plus strand). Cytogenetic location: 13q13.3.
Variant type: single nucleotide variant.
Coding change: c.176G>A on transcript NM_207361.6 (MANE Select); coding-DNA position 176, G replaced by A.
Protein change: p.Gly59Asp; replaces glycine 59 with aspartic acid.
Molecular consequence: missense variant.
Genome position (GRCh38, 1-based): chr13:38,687,520, G>A. VCF-style: chr13-38687520-G-A. GRCh37 (hg19) VCF-style: chr13-39261657-G-A.
Other names: short protein forms G59D.
Identifiers: ClinVar variation 702640 (VCV000702640.15), dbSNP rs115327344, ClinGen allele CA6954164.

ClinVar aggregate classification (germline): Benign. Review status: criteria provided, multiple submitters, no conflicts (2 of 4 stars). 4 submissions from 4 submitters: Benign (3). 1 of the submissions does not count toward it. Last evaluated 2026-02-04.

Conditions:
Fraser syndrome 2 (FRASRS2). Identifiers: MedGen C4540036, MONDO:0054738, OMIM 617666.
FREM2-related disorder. Also called: FREM2-related condition.

Allele frequency attached by ClinVar (database versions not stated): ESP Exome Variant Server 0.00362; TOPMed 0.00393; 1000 Genomes Project 0.00559; 1000 Genomes Project 30x 0.00578.
gnomAD v4.1: 1,188 of 1,598,544 alleles (0.074%); highest among the groups gnomAD compares: African/African-American, 1.4%; 12 homozygotes.

Submissions (4):

Labcorp Genetics (formerly Invitae), Labcorp
Classification: Benign. Last evaluated: 2026-02-04. Review status: criteria provided, single submitter. Criteria: Invitae Variant Classification Sherloc (09022015). Collection method: clinical testing. Allele origin: germline.

Illumina Laboratory Services, Illumina
Classification: Benign for Fraser syndrome 2. Last evaluated: 2018-01-13. Review status: criteria provided, single submitter. Criteria: ICSL Variant Classification Criteria 13 December 2019. Collection method: clinical testing. Allele origin: germline.
Comment: This variant was observed in the ICSL laboratory as part of a predisposition screen in an ostensibly healthy population. It had not been previously curated by ICSL or reported in the Human Gene Mutation Database (HGMD: prior to June 1st, 2018), and was therefore a candidate for classification through an automated scoring system. Utilizing variant allele frequency, disease prevalence and penetrance estimates, and inheritance mode, an automated score was calculated to assess if this variant is too frequent to cause the disease. Based on the score and internal cut-off values, a variant classified as benign is not then subjected to further curation. The score for this variant resulted in a classification of benign for this disease.

Breakthrough Genomics
Classification: Benign. Review status: criteria provided, single submitter. Criteria: ACMG Guidelines, 2015. Collection method: not provided. Allele origin: germline. Inheritance: Autosomal recessive inheritance. Affected: yes.

PreventionGenetics, part of Exact Sciences
Classification: Benign for FREM2-related condition. Last evaluated: 2020-11-24. Review status: no assertion criteria provided. Collection method: clinical testing. Allele origin: germline. Not counted in ClinVar's aggregate classification.
Comment: This variant is classified as benign based on ACMG/AMP sequence variant interpretation guidelines (Richards et al. 2015 PMID: 25741868, with internal and published modifications).